The following is an entry in ClinVar:

NM_004820.5(CYP7B1):c.248T>G (p.Val83Gly)

Gene: CYP7B1 (cytochrome P450 family 7 subfamily B member 1; minus strand). Cytogenetic location: 8q12.3.
Variant type: single nucleotide variant.
Coding change: c.248T>G on transcript NM_004820.5 (MANE Select); coding-DNA position 248, T replaced by G.
Protein change: p.Val83Gly; replaces valine 83 with glycine.
Molecular consequence: missense variant.
Genome position (GRCh38, 1-based): chr8:64,624,414, A>C on the plus strand (T>G on the coding strand, the complement: CYP7B1 is on the minus strand). VCF-style: chr8-64624414-A-C. GRCh37 (hg19) VCF-style: chr8-65536971-A-C.
Other names: c.248T>G, p.Val83Gly (NM_001324112.2); short protein forms V83G.
Identifiers: ClinVar variation 2428407 (VCV002428407.6), dbSNP rs781736228, ClinGen allele CA4764266.

ClinVar aggregate classification (germline): Uncertain significance (1 of 4 stars; one submission).

Conditions:
Spastic paraplegia. Identifiers: MedGen C0037772, HP:0001258.

gnomAD v4.1: 4 of 1,614,008 alleles (0.00025%); highest among the groups gnomAD compares: Non-Finnish European, 0.00025%; no homozygotes.

Submission:

Labcorp Genetics (formerly Invitae), Labcorp
Classification: Uncertain significance for Spastic paraplegia. Last evaluated: 2024-10-17. Review status: criteria provided, single submitter. Criteria: Invitae Variant Classification Sherloc (09022015). Collection method: clinical testing. Allele origin: germline.
Comment: This sequence change replaces valine, which is neutral and non-polar, with glycine, which is neutral and non-polar, at codon 83 of the CYP7B1 protein (p.Val83Gly). This variant is present in population databases (rs781736228, gnomAD 0.0009%). This variant has not been reported in the literature in individuals affected with CYP7B1-related conditions. ClinVar contains an entry for this variant (Variation ID: 2428407). Invitae Evidence Modeling of protein sequence and biophysical properties (such as structural, functional, and spatial information, amino acid conservation, physicochemical variation, residue mobility, and thermodynamic stability) indicates that this missense variant is expected to disrupt CYP7B1 protein function with a positive predictive value of 95%. In summary, the available evidence is currently insufficient to determine the role of this variant in disease. Therefore, it has been classified as a Variant of Uncertain Significance.